The following is an entry in ClinVar:

ClinVar aggregate classification (germline): Uncertain significance (1 of 4 stars; one submission).

Conditions:
Epileptic encephalopathy. Identifiers: MedGen C0543888, HP:0200134.

Submission:

Labcorp Genetics (formerly Invitae), Labcorp
Classification: Uncertain significance for Epileptic encephalopathy. Last evaluated: 2017-07-30. Review status: criteria provided, single submitter. Criteria: Invitae Variant Classification Sherloc (09022015). Collection method: clinical testing. Allele origin: germline.
Comment: In summary, the available evidence is currently insufficient to determine the role of this variant in disease. Therefore, it has been classified as a Variant of Uncertain Significance. Algorithms developed to predict the effect of sequence changes on RNA splicing suggest that this variant may create or strengthen a splice site, but this prediction has not been confirmed by published transcriptional studies. Algorithms developed to predict the effect of missense changes on protein structure and function output the following: SIFT: "Tolerated"; PolyPhen-2: "Probably Damaging"; Align-GVGD: "Class C0". The arginine amino acid residue is found in multiple mammalian species, suggesting that this missense change does not adversely affect protein function. These predictions have not been confirmed by published functional studies and their clinical significance is uncertain. This variant has not been reported in the literature in individuals with FASN-related disease. This variant is not present in population databases (ExAC no frequency). This sequence change replaces glycine with arginine at codon 372 of the FASN protein (p.Gly372Arg). The glycine residue is highly conserved and there is a moderate physicochemical difference between glycine and arginine.

NM_004104.5(FASN):c.1114G>A (p.Gly372Arg)

Gene: FASN (fatty acid synthase; minus strand). Cytogenetic location: 17q25.3.
Variant type: single nucleotide variant.
Coding change: c.1114G>A on transcript NM_004104.5 (MANE Select); coding-DNA position 1114, G replaced by A.
Protein change: p.Gly372Arg; replaces glycine 372 with arginine.
Molecular consequence: missense variant.
Genome position (GRCh38, 1-based): chr17:82,091,600, C>T on the plus strand (G>A on the coding strand, the complement: FASN is on the minus strand). VCF-style: chr17-82091600-C-T. GRCh37 (hg19) VCF-style: chr17-80049476-C-T.
Other names: short protein forms G372R.
Identifiers: ClinVar variation 461997 (VCV000461997.8), dbSNP rs1555668921, ClinGen allele CA401561173.